The following is an entry in ClinVar:

NM_000081.4(LYST):c.9044+1G>A

Gene: LYST (lysosomal trafficking regulator; minus strand). Cytogenetic location: 1q42.3.
Variant type: single nucleotide variant.
Coding change: c.9044+1G>A on transcript NM_000081.4 (MANE Select); the canonical splice donor site of the intron after coding-DNA position 9044, G replaced by A.
Molecular consequence: splice donor variant.
Genome position (GRCh38, 1-based): chr1:235,730,846, C>T on the plus strand (G>A on the coding strand, the complement: LYST is on the minus strand). VCF-style: chr1-235730846-C-T. GRCh37 (hg19) VCF-style: chr1-235894146-C-T.
Other names: c.9044+1G>A (NM_001301365.1).
Identifiers: ClinVar variation 1480650 (VCV001480650.6), dbSNP rs2527528620, ClinGen allele CA344949053.

ClinVar aggregate classification (germline): Likely pathogenic (1 of 4 stars; one submission).

Conditions:
Chédiak-Higashi syndrome (CHS). Also called: Chediak-Higashi Syndrome. Identifiers: Orphanet 167, MedGen C0007965, MONDO:0008963, OMIM 214500.

Submission:

Labcorp Genetics (formerly Invitae), Labcorp
Classification: Likely pathogenic for Chédiak-Higashi syndrome. Last evaluated: 2022-10-17. Review status: criteria provided, single submitter. Criteria: Invitae Variant Classification Sherloc (09022015). Collection method: clinical testing. Allele origin: germline.
Comment: This sequence change affects a donor splice site in intron 36 of the LYST gene. It is expected to disrupt RNA splicing. Variants that disrupt the donor or acceptor splice site typically lead to a loss of protein function (PMID: 16199547), and loss-of-function variants in LYST are known to be pathogenic (PMID: 9215679, 11857544). This variant is not present in population databases (gnomAD no frequency). Disruption of this splice site has been observed in individual(s) with Chediak-Higashi syndrome (PMID: 26915675, 34083498). ClinVar contains an entry for this variant (Variation ID: 1480650). Algorithms developed to predict the effect of sequence changes on RNA splicing suggest that this variant may disrupt the consensus splice site. In summary, the currently available evidence indicates that the variant is pathogenic, but additional data are needed to prove that conclusively. Therefore, this variant has been classified as Likely Pathogenic.

Literature cited by the submitters: PubMed 16199547; PubMed 9215679; PubMed 11857544; PubMed 26915675; PubMed 34083498.